The following is an entry in ClinVar:

NM_001375808.2(LPIN2):c.1157C>G (p.Ser386Ter)

Gene: LPIN2 (lipin 2; minus strand). Cytogenetic location: 18p11.31.
Variant type: single nucleotide variant.
Coding change: c.1157C>G on transcript NM_001375808.2 (MANE Select); coding-DNA position 1157, C replaced by G.
Protein change: p.Ser386Ter; replaces serine 386 with a stop codon.
Molecular consequence: nonsense.
Genome position (GRCh38, 1-based): chr18:2,937,703, G>C on the plus strand (C>G on the coding strand, the complement: LPIN2 is on the minus strand). VCF-style: chr18-2937703-G-C. GRCh37 (hg19) VCF-style: chr18-2937701-G-C.
Other names: c.1157C>G, p.Ser386Ter (NM_001375809.1, NM_014646.2); short protein forms S386*.
Identifiers: ClinVar variation 4082101 (VCV004082101.1).

ClinVar aggregate classification (germline): Likely pathogenic (1 of 4 stars; one submission).

Conditions:
Majeed syndrome (MJDS). Also called: LPIN2-Related Majeed Syndrome; CHRONIC RECURRENT MULTIFOCAL OSTEOMYELITIS 1, WITH CONGENITAL DYSERYTHROPOIETIC ANEMIA, WITH OR WITHOUT NEUTROPHILIC DERMATOSIS. Identifiers: Orphanet 77297, MedGen C1864997, MONDO:0012316, OMIM 609628.

Submission:

Kasturba Medical College, Manipal, Kasturba Medical College, Manipal, Manipal Academy of Higher Education, Manipal, India
Classification: Likely pathogenic for Majeed syndrome. Review status: criteria provided, single submitter. Criteria: ACMG Guidelines, 2015. Collection method: research. Allele origin: biparental. Inheritance: Autosomal recessive inheritance. Affected: yes. Observed: 1 homozygote.
Comment: This variant is absent in gnomAD population database and our in-house database of 3102 exomes. In silico tools consistently predict that the variant is disease-causing.